The following is an entry in ClinVar:

NM_015891.3(CDC40):c.943C>G (p.Leu315Val)

Gene: CDC40 (cell division cycle 40; plus strand). Cytogenetic location: 6q21.
Variant type: single nucleotide variant.
Coding change: c.943C>G on transcript NM_015891.3 (MANE Select); coding-DNA position 943, C replaced by G.
Protein change: p.Leu315Val; replaces leucine 315 with valine.
Molecular consequence: missense variant.
Genome position (GRCh38, 1-based): chr6:110,215,286, C>G. VCF-style: chr6-110215286-C-G. GRCh37 (hg19) VCF-style: chr6-110536489-C-G.
Other names: NC_000006.11:g.110536489C>G; short protein forms L315V.
Identifiers: ClinVar variation 1695164 (VCV001695164.32), dbSNP rs138462889, ClinGen allele CA3957357.
Genomic context (GRCh38, chr6:110,215,286, plus strand): 5'-TTAATTGAAGGACCTTTATTAAATGTAATATTTCCATGTGTTGTTTTTTTTCTCCCCCAG[C>G]TATGGGAGGTTTATGGAGAACGGCGCTGTCTGAGAACATTTATTGGTAATGCTTCTTTTC-3'
Protein context (NP_056975.1, residues 305-325): LSCSMDCKIK[Leu315Val]WEVYGERRCL

ClinVar aggregate classification (germline): Likely benign (1 of 4 stars; one submission).

Allele frequency attached by ClinVar (database versions not stated): 1000 Genomes Project 30x 0.00406; 1000 Genomes Project 0.00439; ExAC 0.00687; gnomAD 0.00688 and 0.00695; gnomAD exomes 0.00709 and 0.00875; TOPMed 0.00729; ESP Exome Variant Server 0.00738.
gnomAD v4.1: 13,819 of 1,611,540 alleles (0.86%); highest among the groups gnomAD compares: Middle Eastern, 1.6%; 82 homozygotes.

Submissions (22):

CeGaT Center for Human Genetics Tuebingen
Classification: Likely benign. Last evaluated: 2026-08-01. Review status: criteria provided, single submitter. Criteria: CeGaT Center For Human Genetics Tuebingen Variant Classification Criteria Version 2. Collection method: clinical testing. Allele origin: germline. Affected: yes. Observed: 8 variant alleles.
Comment: CDC40: BS2

Dr. Peter K. Rogan Lab, Western University
No classification provided (evidence only). Condition: Clear cell carcinoma of kidney. Review status: no classification provided. Collection method: in vitro. Allele origin: not applicable. Functional consequence: skipped exon. Not counted in ClinVar's aggregate classification.

Dr. Peter K. Rogan Lab, Western University
No classification provided (evidence only). Condition: Lung cancer. Review status: no classification provided. Collection method: in vitro. Allele origin: not applicable. Functional consequence: retained intron. Not counted in ClinVar's aggregate classification.

Dr. Peter K. Rogan Lab, Western University
No classification provided (evidence only). Condition: Lung cancer. Review status: no classification provided. Collection method: in vitro. Allele origin: not applicable. Functional consequence: skipped exon. Not counted in ClinVar's aggregate classification.

Dr. Peter K. Rogan Lab, Western University
No classification provided (evidence only). Condition: Lung cancer. Review status: no classification provided. Collection method: in vitro. Allele origin: not applicable. Functional consequence: retained intron. Not counted in ClinVar's aggregate classification.

Dr. Peter K. Rogan Lab, Western University
No classification provided (evidence only). Condition: Lung cancer. Review status: no classification provided. Collection method: in vitro. Allele origin: not applicable. Functional consequence: retained intron. Not counted in ClinVar's aggregate classification.

Dr. Peter K. Rogan Lab, Western University
No classification provided (evidence only). Condition: Melanoma. Review status: no classification provided. Collection method: in vitro. Allele origin: not applicable. Functional consequence: retained intron. Not counted in ClinVar's aggregate classification.

Dr. Peter K. Rogan Lab, Western University
No classification provided (evidence only). Condition: Acute myeloid leukemia. Review status: no classification provided. Collection method: in vitro. Allele origin: not applicable. Functional consequence: retained intron. Not counted in ClinVar's aggregate classification.

Dr. Peter K. Rogan Lab, Western University
No classification provided (evidence only). Condition: Acute myeloid leukemia. Review status: no classification provided. Collection method: in vitro. Allele origin: not applicable. Functional consequence: retained intron. Not counted in ClinVar's aggregate classification.

Dr. Peter K. Rogan Lab, Western University
No classification provided (evidence only). Condition: Acute myeloid leukemia. Review status: no classification provided. Collection method: in vitro. Allele origin: not applicable. Functional consequence: retained intron. Not counted in ClinVar's aggregate classification.

Dr. Peter K. Rogan Lab, Western University
No classification provided (evidence only). Condition: Colon adenocarcinoma. Review status: no classification provided. Collection method: in vitro. Allele origin: not applicable. Functional consequence: retained intron. Not counted in ClinVar's aggregate classification.

Dr. Peter K. Rogan Lab, Western University
No classification provided (evidence only). Condition: Colon adenocarcinoma. Review status: no classification provided. Collection method: in vitro. Allele origin: not applicable. Functional consequence: retained intron. Not counted in ClinVar's aggregate classification.

Dr. Peter K. Rogan Lab, Western University
No classification provided (evidence only). Condition: Colon adenocarcinoma. Review status: no classification provided. Collection method: in vitro. Allele origin: not applicable. Functional consequence: retained intron. Not counted in ClinVar's aggregate classification.

Dr. Peter K. Rogan Lab, Western University
No classification provided (evidence only). Condition: Thyroid cancer, nonmedullary, 1. Review status: no classification provided. Collection method: in vitro. Allele origin: not applicable. Functional consequence: retained intron. Not counted in ClinVar's aggregate classification.

Dr. Peter K. Rogan Lab, Western University
No classification provided (evidence only). Condition: Thyroid cancer, nonmedullary, 1. Review status: no classification provided. Collection method: in vitro. Allele origin: not applicable. Functional consequence: retained intron. Not counted in ClinVar's aggregate classification.

Dr. Peter K. Rogan Lab, Western University
No classification provided (evidence only). Condition: Thyroid cancer, nonmedullary, 1. Review status: no classification provided. Collection method: in vitro. Allele origin: not applicable. Functional consequence: retained intron. Not counted in ClinVar's aggregate classification.

Dr. Peter K. Rogan Lab, Western University
No classification provided (evidence only). Condition: Thymoma. Review status: no classification provided. Collection method: in vitro. Allele origin: not applicable. Functional consequence: retained intron. Not counted in ClinVar's aggregate classification.

Dr. Peter K. Rogan Lab, Western University
No classification provided (evidence only). Condition: Cholangiocarcinoma. Review status: no classification provided. Collection method: in vitro. Allele origin: not applicable. Functional consequence: skipped exon. Not counted in ClinVar's aggregate classification.

Dr. Peter K. Rogan Lab, Western University
No classification provided (evidence only). Condition: Ovarian serous cystadenocarcinoma. Review status: no classification provided. Collection method: in vitro. Allele origin: not applicable. Functional consequence: retained intron. Not counted in ClinVar's aggregate classification.

Dr. Peter K. Rogan Lab, Western University
No classification provided (evidence only). Condition: Uveal melanoma. Review status: no classification provided. Collection method: in vitro. Allele origin: not applicable. Functional consequence: retained intron. Not counted in ClinVar's aggregate classification.

Dr. Peter K. Rogan Lab, Western University
No classification provided (evidence only). Condition: Chronic lymphocytic leukemia/small lymphocytic lymphoma. Review status: no classification provided. Collection method: in vitro. Allele origin: not applicable. Functional consequence: retained intron. Not counted in ClinVar's aggregate classification.

Dr. Peter K. Rogan Lab, Western University
No classification provided (evidence only). Condition: Ovarian cancer. Review status: no classification provided. Collection method: in vitro. Allele origin: not applicable. Functional consequence: retained intron. Not counted in ClinVar's aggregate classification.